The following is an entry in ClinVar:

NM_014874.4(MFN2):c.452C>T (p.Ser151Leu)

Gene: MFN2 (mitofusin 2; plus strand). Cytogenetic location: 1p36.22.
Variant type: single nucleotide variant.
Coding change: c.452C>T on transcript NM_014874.4 (MANE Select); coding-DNA position 452, C replaced by T.
Protein change: p.Ser151Leu; replaces serine 151 with leucine.
Molecular consequence: missense variant.
Genome position (GRCh38, 1-based): chr1:11,996,296, C>T. VCF-style: chr1-11996296-C-T. GRCh37 (hg19) VCF-style: chr1-12056353-C-T.
Other names: c.452C>T, p.Ser151Leu (NM_001127660.2); short protein forms S151L.
Identifiers: ClinVar variation 1414103 (VCV001414103.8), dbSNP rs2100822731, ClinGen allele CA338435104.

ClinVar aggregate classification (germline): Uncertain significance. Review status: criteria provided, multiple submitters, no conflicts (2 of 4 stars). 2 submissions from 2 submitters: Uncertain significance (2). Last evaluated 2022-06-20.

Conditions:
Inborn genetic diseases. Identifiers: MedGen C0950123, MeSH D030342.
Charcot-Marie-Tooth disease type 2. Also called: Charcot-Marie-Tooth type 2. Identifiers: Orphanet 64746, MedGen C0270914, MONDO:0018993.

Submissions (2):

Labcorp Genetics (formerly Invitae), Labcorp
Classification: Uncertain significance for Charcot-Marie-Tooth disease type 2. Last evaluated: 2022-06-20. Review status: criteria provided, single submitter. Criteria: Invitae Variant Classification Sherloc (09022015). Collection method: clinical testing. Allele origin: germline.
Comment: In summary, the available evidence is currently insufficient to determine the role of this variant in disease. Therefore, it has been classified as a Variant of Uncertain Significance. This sequence change replaces serine, which is neutral and polar, with leucine, which is neutral and non-polar, at codon 151 of the MFN2 protein (p.Ser151Leu). This variant is not present in population databases (gnomAD no frequency). This variant has not been reported in the literature in individuals affected with MFN2-related conditions. Advanced modeling of protein sequence and biophysical properties (such as structural, functional, and spatial information, amino acid conservation, physicochemical variation, residue mobility, and thermodynamic stability) performed at Invitae indicates that this missense variant is expected to disrupt MFN2 protein function.

Ambry Genetics
Classification: Uncertain significance for Inborn genetic diseases. Last evaluated: 2020-03-17. Review status: criteria provided, single submitter. Criteria: Ambry Variant Classification Scheme 2023. Collection method: clinical testing. Allele origin: germline.
Comment: The p.S151L variant (also known as c.452C>T), located in coding exon 3 of the MFN2 gene, results from a C to T substitution at nucleotide position 452. The serine at codon 151 is replaced by leucine, an amino acid with dissimilar properties. This amino acid position is highly conserved in available vertebrate species. In addition, this alteration is predicted to be deleterious by in silico analysis. Since supporting evidence is limited at this time, the clinical significance of this alteration remains unclear.